The following is an entry in ClinVar:

ClinVar aggregate classification (germline): Pathogenic (1 of 4 stars; one submission).

Conditions:
Primary ciliary dyskinesia. Also called: Ciliary dyskinesia. Identifiers: Orphanet 244, MedGen C0008780, MONDO:0016575, HP:0012265.

Submission:

Labcorp Genetics (formerly Invitae), Labcorp
Classification: Pathogenic for Primary ciliary dyskinesia. Last evaluated: 2022-10-04. Review status: criteria provided, single submitter. Criteria: Invitae Variant Classification Sherloc (09022015). Collection method: clinical testing. Allele origin: germline.
Comment: For these reasons, this variant has been classified as Pathogenic. This variant disrupts a region of the DNAH11 protein in which other variant(s) (p.Gly2860Ser) have been determined to be pathogenic (Invitae). This suggests that this is a clinically significant region of the protein, and that variants that disrupt it are likely to be disease-causing. This variant has not been reported in the literature in individuals affected with DNAH11-related conditions. This variant is a gross deletion of the genomic region encompassing exon(s) 50-54 of the DNAH11 gene. This variant would be expected to be in-frame, preserving the integrity of the reading frame.

NC_000007.13:g.(?_21784036)_(21790002_?)del

Gene: DNAH11 (dynein axonemal heavy chain 11; plus strand). Cytogenetic location: 7p15.3.
Variant type: Deletion.
Identifiers: ClinVar variation 2424086 (VCV002424086.12).